The following is an entry in ClinVar:

NM_001122681.2(SH3BP2):c.1549-12C>A

Gene: SH3BP2 (SH3 domain binding protein 2; plus strand). Cytogenetic location: 4p16.3.
Variant type: single nucleotide variant.
Coding change: c.1549-12C>A on transcript NM_001122681.2 (MANE Select); 12 bases into the intron before coding-DNA position 1549, C replaced by A.
Molecular consequence: intron variant.
Genome position (GRCh38, 1-based): chr4:2,833,685, C>A. VCF-style: chr4-2833685-C-A. GRCh37 (hg19) VCF-style: chr4-2835412-C-A.
Other names: c.1549-12C>A (LRG_1334t1, NM_003023.4); c.1633-12C>A (LRG_1334t2, NM_001145855.2); c.1720-12C>A (NM_001145856.2).
Identifiers: ClinVar variation 348594 (VCV000348594.17), dbSNP rs202005559, ClinGen allele CA2819628.

ClinVar aggregate classification (germline): Benign/Likely benign. Review status: criteria provided, multiple submitters, no conflicts (2 of 4 stars). 5 submissions from 5 submitters: Benign (3); Likely benign (2). Last evaluated 2026-01-25.

Conditions:
Fibrous dysplasia of jaw (CRBM). Also called: Cherubism. Identifiers: Orphanet 184, MedGen C0008029, MONDO:0007315, OMIM 118400.

Allele frequency attached by ClinVar (database versions not stated): 1000 Genomes Project 30x 0.00016; 1000 Genomes Project 0.00020; gnomAD exomes 0.00048; TOPMed 0.00051; ESP Exome Variant Server 0.00054; gnomAD 0.00054; ExAC 0.00070.
gnomAD v4.1: 1,339 of 1,608,810 alleles (0.083%); highest among the groups gnomAD compares: Non-Finnish European, 0.11%; 4 homozygotes.

Submissions (9):

Labcorp Genetics (formerly Invitae), Labcorp
Classification: Benign for Fibrous dysplasia of jaw. Last evaluated: 2026-01-25. Review status: criteria provided, single submitter. Criteria: Invitae Variant Classification Sherloc (09022015). Collection method: clinical testing. Allele origin: germline.

Blueprint Genetics
Classification: Likely benign. Last evaluated: 2024-10-16. Review status: criteria provided, single submitter. Criteria: ACMG Guidelines, 2015. Collection method: clinical testing. Allele origin: germline.

Fulgent Genetics
Classification: Likely benign for Fibrous dysplasia of jaw. Last evaluated: 2022-04-11. Review status: criteria provided, single submitter. Criteria: ACMG Guidelines, 2015. Collection method: clinical testing. Allele origin: unknown.

Illumina Laboratory Services, Illumina
Classification: Benign for Fibrous dysplasia of jaw. Last evaluated: 2018-01-13. Review status: criteria provided, single submitter. Criteria: ICSL Variant Classification Criteria 13 December 2019. Collection method: clinical testing. Allele origin: germline.
Comment: This variant was observed in the ICSL laboratory as part of a predisposition screen in an ostensibly healthy population. It had not been previously curated by ICSL or reported in the Human Gene Mutation Database (HGMD: prior to June 1st, 2018), and was therefore a candidate for classification through an automated scoring system. Utilizing variant allele frequency, disease prevalence and penetrance estimates, and inheritance mode, an automated score was calculated to assess if this variant is too frequent to cause the disease. Based on the score and internal cut-off values, a variant classified as benign is not then subjected to further curation. The score for this variant resulted in a classification of benign for this disease.

Breakthrough Genomics
Classification: Benign. Review status: criteria provided, single submitter. Criteria: ACMG Guidelines, 2015. Collection method: not provided. Allele origin: germline. Inheritance: Autosomal dominant inheritance. Affected: yes.

Dr. Peter K. Rogan Lab, Western University
No classification provided (evidence only). Condition: Lung cancer. Review status: no classification provided. Collection method: in vitro. Allele origin: not applicable. Functional consequence: retained intron. Not counted in ClinVar's aggregate classification.

Dr. Peter K. Rogan Lab, Western University
No classification provided (evidence only). Condition: Lung cancer. Review status: no classification provided. Collection method: in vitro. Allele origin: not applicable. Functional consequence: retained intron. Not counted in ClinVar's aggregate classification.

Dr. Peter K. Rogan Lab, Western University
No classification provided (evidence only). Condition: Acute myeloid leukemia. Review status: no classification provided. Collection method: in vitro. Allele origin: not applicable. Functional consequence: retained intron. Not counted in ClinVar's aggregate classification.

Dr. Peter K. Rogan Lab, Western University
No classification provided (evidence only). Condition: Acute myeloid leukemia. Review status: no classification provided. Collection method: in vitro. Allele origin: not applicable. Functional consequence: retained intron. Not counted in ClinVar's aggregate classification.